The following is an entry in ClinVar:

ClinVar aggregate classification (germline): Conflicting classifications of pathogenicity. Review status: criteria provided, conflicting classifications (1 of 4 stars). 3 submissions from 3 submitters: Uncertain significance (1); Likely benign (2). Last evaluated 2025-05-16.

Conditions:
Hereditary cancer-predisposing syndrome. Also called: Neoplastic Syndromes, Hereditary; Hereditary Cancer Syndrome; Hereditary neoplastic syndrome; Tumor predisposition. Identifiers: Orphanet 140162, MedGen C0027672, MeSH D009386, MONDO:0015356.
Hereditary breast ovarian cancer syndrome. Also called: Hereditary breast and ovarian cancer syndrome (HBOC); Hereditary breast and ovarian cancer syndrome; Breast and ovarian cancer; Hereditary breast and/or ovarian cancer syndrome; Hereditary breast and ovarian cancer; BRCA1- and BRCA2-Associated Hereditary Breast and Ovarian Cancer. Identifiers: Orphanet 145, MedGen C0677776, MeSH D061325, MONDO:0003582. Disease mechanism: loss of function.

Submissions (3):

Ambry Genetics
Classification: Likely benign for Hereditary cancer-predisposing syndrome. Last evaluated: 2025-05-16. Review status: criteria provided, single submitter. Criteria: Ambry Variant Classification Scheme 2023. Collection method: clinical testing. Allele origin: germline.

Labcorp Genetics (formerly Invitae), Labcorp
Classification: Uncertain significance for Hereditary breast ovarian cancer syndrome. Last evaluated: 2024-05-22. Review status: criteria provided, single submitter. Criteria: Invitae Variant Classification Sherloc (09022015). Collection method: clinical testing. Allele origin: germline.
Comment: This sequence change replaces valine, which is neutral and non-polar, with leucine, which is neutral and non-polar, at codon 3145 of the BRCA2 protein (p.Val3145Leu). This variant is not present in population databases (gnomAD no frequency). This variant has not been reported in the literature in individuals affected with BRCA2-related conditions. ClinVar contains an entry for this variant (Variation ID: 462526). Advanced modeling of protein sequence and biophysical properties (such as structural, functional, and spatial information, amino acid conservation, physicochemical variation, residue mobility, and thermodynamic stability) performed at Invitae indicates that this missense variant is not expected to disrupt BRCA2 protein function with a negative predictive value of 95%. In summary, the available evidence is currently insufficient to determine the role of this variant in disease. Therefore, it has been classified as a Variant of Uncertain Significance.

Color Diagnostics, LLC DBA Color Health
Classification: Likely benign for Hereditary cancer-predisposing syndrome. Last evaluated: 2017-11-03. Review status: criteria provided, single submitter. Criteria: ACMG Guidelines, 2015. Collection method: clinical testing. Allele origin: germline.

NM_000059.4(BRCA2):c.9433G>T (p.Val3145Leu)

Gene: BRCA2 (BRCA2 DNA repair associated; plus strand). Cytogenetic location: 13q13.1.
Variant type: single nucleotide variant.
Coding change: c.9433G>T on transcript NM_000059.4 (MANE Select); coding-DNA position 9433, G replaced by T.
Protein change: p.Val3145Leu; replaces valine 3145 with leucine.
Molecular consequence: missense variant.
Genome position (GRCh38, 1-based): chr13:32,394,865, G>T. VCF-style: chr13-32394865-G-T. GRCh37 (hg19) VCF-style: chr13-32969002-G-T.
Other names: short protein forms V3145L.
Identifiers: ClinVar variation 462526 (VCV000462526.16), dbSNP rs587776476, ClinGen allele CA387761547.